The following is an entry in ClinVar:

ClinVar aggregate classification (germline): Uncertain significance. Review status: criteria provided, multiple submitters, no conflicts (2 of 4 stars). 5 submissions from 4 submitters: Uncertain significance (4). 1 of the submissions does not count toward it. Last evaluated 2023-11-04.

Conditions:
Retinitis pigmentosa 39 (RP39). Identifiers: Orphanet 791, MedGen C3151138, MONDO:0013436, OMIM 613809.
Usher syndrome type 2A. Also called: USHER SYNDROME, TYPE IIA; RETINAL DISEASE IN USHER SYNDROME TYPE IIA, MODIFIER OF. Identifiers: Orphanet 231178, Orphanet 886, MedGen C1848634, MONDO:0010169, OMIM 276901.

Allele frequency attached by ClinVar (database versions not stated): gnomAD exomes below 0.00001 and 0.00002; TOPMed 0.00001; ExAC 0.00002.
gnomAD v4.1: 7 of 1,612,728 alleles (0.00043%); highest among the groups gnomAD compares: Admixed American, 0.0067%; no homozygotes.

Submissions (5):

Genome-Nilou Lab
Classification: Uncertain significance for Retinitis pigmentosa 39. Last evaluated: 2023-11-04. Review status: criteria provided, single submitter. Criteria: ACMG Guidelines, 2015. Collection method: clinical testing. Allele origin: germline. Affected: no.

Genome-Nilou Lab
Classification: Uncertain significance for Usher syndrome type 2A. Last evaluated: 2023-11-04. Review status: criteria provided, single submitter. Criteria: ACMG Guidelines, 2015. Collection method: clinical testing. Allele origin: germline. Affected: no.

Labcorp Genetics (formerly Invitae), Labcorp
Classification: Uncertain significance. Last evaluated: 2022-08-03. Review status: criteria provided, single submitter. Criteria: Invitae Variant Classification Sherloc (09022015). Collection method: clinical testing. Allele origin: germline.
Comment: This sequence change replaces isoleucine, which is neutral and non-polar, with valine, which is neutral and non-polar, at codon 3139 of the USH2A protein (p.Ile3139Val). This variant is present in population databases (rs750899958, gnomAD 0.01%). This variant has not been reported in the literature in individuals affected with USH2A-related conditions. ClinVar contains an entry for this variant (Variation ID: 440395). Algorithms developed to predict the effect of missense changes on protein structure and function are either unavailable or do not agree on the potential impact of this missense change (SIFT: "Deleterious"; PolyPhen-2: "Benign"; Align-GVGD: "Class C25"). In summary, the available evidence is currently insufficient to determine the role of this variant in disease. Therefore, it has been classified as a Variant of Uncertain Significance.

ARUP Laboratories, Molecular Genetics and Genomics, ARUP Laboratories
Classification: Uncertain significance. Last evaluated: 2016-12-21. Review status: criteria provided, single submitter. Criteria: ARUP Molecular Germline Variant Investigation Process. Collection method: clinical testing. Allele origin: germline.

Natera, Inc.
Classification: Uncertain significance for Usher syndrome type 2A. Last evaluated: 2019-11-11. Review status: no assertion criteria provided. Collection method: clinical testing. Allele origin: germline. Not counted in ClinVar's aggregate classification.

NM_206933.4(USH2A):c.9415A>G (p.Ile3139Val)

Gene: USH2A (usherin; minus strand). Cytogenetic location: 1q41.
Variant type: single nucleotide variant.
Coding change: c.9415A>G on transcript NM_206933.4 (MANE Select); coding-DNA position 9415, A replaced by G.
Protein change: p.Ile3139Val; replaces isoleucine 3139 with valine.
Molecular consequence: missense variant.
Genome position (GRCh38, 1-based): chr1:215,817,152, T>C on the plus strand (A>G on the coding strand, the complement: USH2A is on the minus strand). VCF-style: chr1-215817152-T-C. GRCh37 (hg19) VCF-style: chr1-215990494-T-C.
Other names: short protein forms I3139V.
Identifiers: ClinVar variation 440395 (VCV000440395.12), dbSNP rs750899958, ClinGen allele CA1394317.